The following is an entry in ClinVar:

ClinVar aggregate classification (germline): Conflicting classifications of pathogenicity. Review status: criteria provided, conflicting classifications (1 of 4 stars). 3 submissions from 3 submitters: Uncertain significance (2); Benign (1). Last evaluated 2024-03-19.

Conditions:
Cardiovascular phenotype. Identifiers: MedGen CN230736.
Osteogenesis imperfecta type I (OI1). Also called: Classic Non-deforming Osteogenesis Imperfecta with Blue Sclerae; OI, TYPE I; OSTEOGENESIS IMPERFECTA TARDA; OSTEOGENESIS IMPERFECTA WITH BLUE SCLERAE; Osteogenesis imperfecta type 1; Lobstein's Disease. Identifiers: Orphanet 216796, Orphanet 666, MedGen C0023931, MONDO:0008146, OMIM 166200. Disease mechanism: loss of function.

Allele frequency attached by ClinVar (database versions not stated): gnomAD exomes below 0.00001; gnomAD 0.00001; ExAC 0.00002; TOPMed 0.00002.
gnomAD v4.1: 5 of 1,613,802 alleles (0.00031%); highest among the groups gnomAD compares: East Asian, 0.011%; no homozygotes.

Submissions (3):

GeneDx
Classification: Uncertain significance. Last evaluated: 2024-03-19. Review status: criteria provided, single submitter. Criteria: GeneDx Variant Classification Process June 2021. Collection method: clinical testing. Allele origin: germline. Affected: yes.
Comment: Has not been previously published as pathogenic or benign to our knowledge; In silico analysis supports that this variant does not alter splicing

Labcorp Genetics (formerly Invitae), Labcorp
Classification: Benign for Osteogenesis imperfecta type I. Last evaluated: 2024-03-12. Review status: criteria provided, single submitter. Criteria: Invitae Variant Classification Sherloc (09022015). Collection method: clinical testing. Allele origin: germline.

Ambry Genetics
Classification: Uncertain significance for Cardiovascular phenotype. Last evaluated: 2021-10-20. Review status: criteria provided, single submitter. Criteria: Ambry Variant Classification Scheme 2023. Collection method: clinical testing. Allele origin: germline.
Comment: The c.4383C>A variant (also known as p.V1461V), located in coding exon 51 of the COL1A1 gene, results from a C to A substitution at nucleotide position 4383. This nucleotide substitution does not change the valine at codon 1461. This nucleotide position is well conserved in available vertebrate species. In silico splice site analysis for this alteration is inconclusive. Since supporting evidence is limited at this time, the clinical significance of this alteration remains unclear.

NM_000088.4(COL1A1):c.4383C>A (p.Val1461=)

Gene: COL1A1 (collagen type I alpha 1 chain; minus strand). Cytogenetic location: 17q21.33.
Variant type: single nucleotide variant.
Coding change: c.4383C>A on transcript NM_000088.4 (MANE Select); coding-DNA position 4383, C replaced by A.
Protein change: p.Val1461=; no amino-acid change (valine 1461 retained).
Molecular consequence: synonymous variant.
Genome position (GRCh38, 1-based): chr17:50,185,514, G>T on the plus strand (C>A on the coding strand, the complement: COL1A1 is on the minus strand). VCF-style: chr17-50185514-G-T. GRCh37 (hg19) VCF-style: chr17-48262875-G-T.
Identifiers: ClinVar variation 1740172 (VCV001740172.5), dbSNP rs759080989, ClinGen allele CA8644166.